The following is an entry in ClinVar:

ClinVar aggregate classification (germline): Uncertain significance (1 of 4 stars; one submission).

Conditions:
ELP4-related disorder. Also called: ELP4-related condition.

Allele frequency attached by ClinVar (database versions not stated): ExAC 0.00001; gnomAD 0.00001.
gnomAD v4.1: 16 of 1,610,630 alleles (0.00099%); highest among the groups gnomAD compares: Non-Finnish European, 0.0013%; no homozygotes.

Submission:

PreventionGenetics, part of Exact Sciences
Classification: Uncertain significance for ELP4-related condition. Last evaluated: 2023-02-01. Review status: criteria provided, single submitter. Criteria: ACMG Guidelines, 2015. Collection method: clinical testing. Allele origin: germline.
Comment: The ELP4 c.643G>A variant is predicted to result in the amino acid substitution p.Val215Ile. To our knowledge, this variant has not been reported in the literature. This variant is reported in 0.0018% of alleles in individuals of European (Non-Finnish) descent in gnomAD. At this time, the clinical significance of this variant is uncertain due to the absence of conclusive functional and genetic evidence.

NM_019040.5(ELP4):c.643G>A (p.Val215Ile)

Gene: ELP4 (elongator acetyltransferase complex subunit 4; plus strand). Cytogenetic location: 11p13.
Variant type: single nucleotide variant.
Coding change: c.643G>A on transcript NM_019040.5 (MANE Select); coding-DNA position 643, G replaced by A.
Protein change: p.Val215Ile; replaces valine 215 with isoleucine.
Molecular consequence: missense variant.
Genome position (GRCh38, 1-based): chr11:31,603,897, G>A. VCF-style: chr11-31603897-G-A. GRCh37 (hg19) VCF-style: chr11-31625444-G-A.
Other names: c.646G>A, p.Val216Ile (NM_001288725.2); c.643G>A, p.Val215Ile (NM_001288726.2); short protein forms V215I, V216I.
Identifiers: ClinVar variation 2635720 (VCV002635720.1), dbSNP rs776978760, ClinGen allele CA5933318.
Genomic context (GRCh38, chr11:31,603,897, plus strand): 5'-ATTGAGGCTTCAAATTGGCATGGATTTTTTCTTCCAGAGAAAATATCTTCAACTCTCAAA[G>A]TAGAACCCTGGTAAGTTAATGACCCATTTAATAACAAAATCTGATTTCAAATATTAGTAG-3'
Protein context (NP_061913.3, residues 205-225): LPEKISSTLK[Val215Ile]EPCSLTPGYT